The following is an entry in ClinVar:

NM_000548.5(TSC2):c.5069-7T>A

Gene: TSC2 (TSC complex subunit 2; plus strand). Cytogenetic location: 16p13.3.
Variant type: single nucleotide variant.
Coding change: c.5069-7T>A on transcript NM_000548.5 (MANE Select); 7 bases into the intron before coding-DNA position 5069, T replaced by A.
Molecular consequence: intron variant.
Genome position (GRCh38, 1-based): chr16:2,088,041, T>A. VCF-style: chr16-2088041-T-A. GRCh37 (hg19) VCF-style: chr16-2138042-T-A.
Other names: c.3524-7T>A (NM_001406695.1, NM_001406696.1, NM_001406697.1); c.4859-7T>A (NM_001406671.1); c.4856-7T>A (NM_001406673.1); c.4409-7T>A (NM_001406681.1); c.4889-7T>A (NM_001406670.1); c.3656-7T>A (NM_001406689.1); c.3596-7T>A (NM_001406690.1); c.3527-7T>A (NM_001406692.1, NM_001406694.1, NM_001406693.1); and 26 more.
Identifiers: ClinVar variation 4733949 (VCV004733949.1).

ClinVar aggregate classification (germline): Uncertain significance (1 of 4 stars; one submission).

Conditions:
Tuberous sclerosis 2 (TSC2). Identifiers: Orphanet 805, MedGen C1860707, MONDO:0013199, OMIM 613254.

Submission:

Labcorp Genetics (formerly Invitae), Labcorp
Classification: Uncertain significance for Tuberous sclerosis 2. Last evaluated: 2025-12-23. Review status: criteria provided, single submitter. Criteria: Invitae Variant Classification Sherloc (09022015). Collection method: clinical testing. Allele origin: germline.
Comment: This sequence change falls in intron 39 of the TSC2 gene. It does not directly change the encoded amino acid sequence of the TSC2 protein. This variant is not present in population databases (gnomAD no frequency). This variant has not been reported in the literature in individuals affected with TSC2-related conditions. Algorithms developed to predict the effect of sequence changes on RNA splicing suggest that this variant may disrupt the consensus splice site. In summary, the available evidence is currently insufficient to determine the role of this variant in disease. Therefore, it has been classified as a Variant of Uncertain Significance.